The following is an entry in ClinVar:

NC_000012.11:g.(?_57906514)_(57976962_?)dup

Genes: DCTN2 (dynactin subunit 2; minus strand), DDIT3 (DNA damage inducible transcript 3; minus strand), KIF5A (kinesin family member 5A; plus strand), MARS1 (methionyl-tRNA synthetase 1; plus strand), MBD6 (methyl-CpG binding domain protein 6; plus strand) and 1 more. Cytogenetic location: 12q13.3.
Variant type: Duplication.
Identifiers: ClinVar variation 2425253 (VCV002425253.5).

ClinVar aggregate classification (germline): Uncertain significance. Review status: criteria provided, single submitter (1 of 4 stars). 2 submissions from 1 submitter: Uncertain significance (2). Last evaluated 2022-09-03.

Conditions:
Severe early-onset pulmonary alveolar proteinosis due to MARS deficiency. Also called: PULMONARY ALVEOLAR PROTEINOSIS, REUNION ISLAND; Interstitial lung and liver disease. Identifiers: Orphanet 440427, MedGen C4225400, MONDO:0014206, OMIM 615486.
Charcot-Marie-Tooth disease axonal type 2U. Also called: CHARCOT-MARIE-TOOTH NEUROPATHY, TYPE 2U; CHARCOT-MARIE-TOOTH DISEASE, AXONAL, AUTOSOMAL DOMINANT, TYPE 2U. Identifiers: Orphanet 397735, MedGen C4084821, MONDO:0014566, OMIM 616280.
Spastic paraplegia. Identifiers: MedGen C0037772, HP:0001258.

Submissions (2):

Labcorp Genetics (formerly Invitae), Labcorp
Classification: Uncertain significance for Spastic paraplegia. Last evaluated: 2022-09-03. Review status: criteria provided, single submitter. Criteria: Invitae Variant Classification Sherloc (09022015). Collection method: clinical testing. Allele origin: germline.
Comment: A copy number gain of the genomic region encompassing the full coding sequence of the KIF5A gene has been identified. The boundaries of this event are unknown as they extend beyond the assayed region for this gene and therefore may encompass additional genes. As the precise location of this event is unknown, it may be in tandem or it may be located elsewhere in the genome. This variant has not been reported in the literature in individuals affected with KIF5A-related conditions. In summary, the available evidence is currently insufficient to determine the role of this variant in disease. Therefore, it has been classified as a Variant of Uncertain Significance.

Labcorp Genetics (formerly Invitae), Labcorp
Classification: Uncertain significance for Charcot-Marie-Tooth disease axonal type 2U; Severe early-onset pulmonary alveolar proteinosis due to MARS deficiency. Last evaluated: 2022-09-03. Review status: criteria provided, single submitter. Criteria: Invitae Variant Classification Sherloc (09022015). Collection method: clinical testing. Allele origin: germline.
Comment: In summary, the available evidence is currently insufficient to determine the role of this variant in disease. Therefore, it has been classified as a Variant of Uncertain Significance. This variant has not been reported in the literature in individuals affected with MARS-related conditions. This variant results in a copy number gain of the genomic region encompassing exon(s) 15-21 of the MARS gene. This region includes the termination codon of the gene. This copy number gain extends beyond the assayed region for this gene and therefore may encompass additional genes. As the precise location of this event is unknown, it may be in tandem or it may be located elsewhere in the genome.